The following is an entry in ClinVar:

ClinVar aggregate classification (germline): Uncertain significance (1 of 4 stars; one submission).

Conditions:
Aicardi-Goutieres syndrome 7 (AGS7). Identifiers: Orphanet 51, MedGen C3888244, MONDO:0014367, OMIM 615846.
Singleton-Merten syndrome 1 (SGMRT1). Also called: Widened medullary cavities of bone, aortic calcification, abnormal dentition, and muscular weakness; Syndrome of widened medullary cavities of the metacarpals and phalanges, aortic calcification and abnormal dentition. Identifiers: Orphanet 85191, MedGen C4225427, MONDO:0024535, OMIM 182250.

Submission:

Labcorp Genetics (formerly Invitae), Labcorp
Classification: Uncertain significance for Aicardi-Goutieres syndrome 7; Singleton-Merten syndrome 1. Last evaluated: 2023-10-30. Review status: criteria provided, single submitter. Criteria: Invitae Variant Classification Sherloc (09022015). Collection method: clinical testing. Allele origin: germline.
Comment: This sequence change replaces leucine, which is neutral and non-polar, with proline, which is neutral and non-polar, at codon 362 of the IFIH1 protein (p.Leu362Pro). This variant is not present in population databases (gnomAD no frequency). This variant has not been reported in the literature in individuals affected with IFIH1-related conditions. This missense change has been observed in at least one individual who was not affected with IFIH1-related conditions (Invitae). Advanced modeling of protein sequence and biophysical properties (such as structural, functional, and spatial information, amino acid conservation, physicochemical variation, residue mobility, and thermodynamic stability) has been performed at Invitae for this missense variant, however the output from this modeling did not meet the statistical confidence thresholds required to predict the impact of this variant on IFIH1 protein function. In summary, the available evidence is currently insufficient to determine the role of this variant in disease. Therefore, it has been classified as a Variant of Uncertain Significance.

NM_022168.4(IFIH1):c.1085T>C (p.Leu362Pro)

Gene: IFIH1 (interferon induced with helicase C domain 1; minus strand). Cytogenetic location: 2q24.2.
Variant type: single nucleotide variant.
Coding change: c.1085T>C on transcript NM_022168.4 (MANE Select); coding-DNA position 1085, T replaced by C.
Protein change: p.Leu362Pro; replaces leucine 362 with proline.
Molecular consequence: missense variant.
Genome position (GRCh38, 1-based): chr2:162,288,145, A>G on the plus strand (T>C on the coding strand, the complement: IFIH1 is on the minus strand). VCF-style: chr2-162288145-A-G. GRCh37 (hg19) VCF-style: chr2-163144655-A-G.
Other names: short protein forms L362P.
Identifiers: ClinVar variation 2944604 (VCV002944604.3), dbSNP rs2468971203, ClinGen allele CA349004492.